The following is an entry in ClinVar:

NM_020163.3(SEMA3G):c.885G>A (p.Ser295=)

Gene: SEMA3G (semaphorin 3G; minus strand). Cytogenetic location: 3p21.1.
Variant type: single nucleotide variant.
Coding change: c.885G>A on transcript NM_020163.3 (MANE Select); coding-DNA position 885, G replaced by A.
Protein change: p.Ser295=; no amino-acid change (serine 295 retained).
Molecular consequence: synonymous variant.
Genome position (GRCh38, 1-based): chr3:52,440,977, C>T on the plus strand (G>A on the coding strand, the complement: SEMA3G is on the minus strand). VCF-style: chr3-52440977-C-T. GRCh37 (hg19) VCF-style: chr3-52474993-C-T.
Identifiers: ClinVar variation 3032052 (VCV003032052.2), dbSNP rs771113427, ClinGen allele CA2438166.

ClinVar aggregate classification (germline): Likely benign (0 of 4 stars; one submission).

Conditions:
SEMA3G-related disorder. Also called: SEMA3G-related condition.

Allele frequency attached by ClinVar (database versions not stated): gnomAD 0.00003.
gnomAD v4.1: 43 of 1,607,198 alleles (0.0027%); highest among the groups gnomAD compares: Non-Finnish European, 0.0033%; no homozygotes.

Submission:

PreventionGenetics, part of Exact Sciences
Classification: Likely benign for SEMA3G-related condition. Last evaluated: 2023-03-03. Review status: no assertion criteria provided. Collection method: clinical testing. Allele origin: germline.
Comment: This variant is classified as likely benign based on ACMG/AMP sequence variant interpretation guidelines (Richards et al. 2015 PMID: 25741868, with internal and published modifications).